The following is an entry in ClinVar:

ClinVar aggregate classification (germline): Pathogenic (1 of 4 stars; one submission).

Conditions:
Dextro-looped transposition of the great arteries. Also called: Dextrotransposition of the great arteries. Identifiers: Orphanet 860, MedGen C3531771, MONDO:0019443, OMIM 608808, HP:0031348.

Submission:

Labcorp Genetics (formerly Invitae), Labcorp
Classification: Pathogenic for Dextro-looped transposition of the great arteries. Last evaluated: 2023-12-02. Review status: criteria provided, single submitter. Criteria: Invitae Variant Classification Sherloc (09022015). Collection method: clinical testing. Allele origin: germline.
Comment: This sequence change creates a premature translational stop signal (p.Ala1940Glnfs*21) in the MED13L gene. It is expected to result in an absent or disrupted protein product. Loss-of-function variants in MED13L are known to be pathogenic (PMID: 25712080, 25758992). This variant is not present in population databases (gnomAD no frequency). This variant has not been reported in the literature in individuals affected with MED13L-related conditions. For these reasons, this variant has been classified as Pathogenic.

Literature cited by the submitters: PubMed 25712080; PubMed 25758992.

NM_015335.5(MED13L):c.5818del (p.Ala1940fs)

Gene: MED13L (mediator complex subunit 13L; minus strand). Cytogenetic location: 12q24.21.
Variant type: Deletion.
Coding change: c.5818del on transcript NM_015335.5 (MANE Select); coding-DNA position 5818, one base deleted (G; older notation c.5818delG).
Protein change: p.Ala1940fs; shifts the reading frame from alanine 1940.
Molecular consequence: frameshift variant.
Genome position (GRCh38, 1-based): chr12:115,972,150, C deleted on the plus strand (G on the coding strand, the reverse complement: MED13L is on the minus strand). VCF-style (leftmost placement, unchanged base first): chr12-115972149-GC-G. GRCh37 (hg19) VCF-style: chr12-116409954-GC-G.
Other names: short protein forms A1940fs.
Identifiers: ClinVar variation 2700544 (VCV002700544.3), dbSNP rs2499974370, ClinGen allele CA2697551542.
Genomic context (GRCh38, chr12:115,972,149, plus strand): 5'-ACAAAGGACCCCTGGGGCTCCATGGCAACCAGGCAGGCACTAAGGATAGAAGGAGAGTCT[GC>G]GGCAGAGATTCCACACATCCGGCACACATCCTTGAGCTTTTTGCTGATTGTCTGTAGTGA-3'